The following is an entry in ClinVar:

ClinVar aggregate classification (germline): Uncertain significance (1 of 4 stars; one submission).

Submission:

Labcorp Genetics (formerly Invitae), Labcorp
Classification: Uncertain significance. Last evaluated: 2022-05-10. Review status: criteria provided, single submitter. Criteria: Invitae Variant Classification Sherloc (09022015). Collection method: clinical testing. Allele origin: germline.
Comment: Algorithms developed to predict the effect of missense changes on protein structure and function (SIFT, PolyPhen-2, Align-GVGD) all suggest that this variant is likely to be disruptive. This sequence change replaces valine, which is neutral and non-polar, with glycine, which is neutral and non-polar, at codon 509 of the USH2A protein (p.Val509Gly). This variant is not present in population databases (gnomAD no frequency). This variant has not been reported in the literature in individuals affected with USH2A-related conditions. Algorithms developed to predict the effect of sequence changes on RNA splicing suggest that this variant may create or strengthen a splice site. In summary, the available evidence is currently insufficient to determine the role of this variant in disease. Therefore, it has been classified as a Variant of Uncertain Significance.

NM_206933.4(USH2A):c.1526T>G (p.Val509Gly)

Gene: USH2A (usherin; minus strand). Cytogenetic location: 1q41.
Variant type: single nucleotide variant.
Coding change: c.1526T>G on transcript NM_206933.4 (MANE Select); coding-DNA position 1526, T replaced by G.
Protein change: p.Val509Gly; replaces valine 509 with glycine.
Molecular consequence: missense variant.
Genome position (GRCh38, 1-based): chr1:216,323,498, A>C on the plus strand (T>G on the coding strand, the complement: USH2A is on the minus strand). VCF-style: chr1-216323498-A-C. GRCh37 (hg19) VCF-style: chr1-216496840-A-C.
Other names: c.1526T>G, p.Val509Gly (NM_007123.6); short protein forms V509G.
Identifiers: ClinVar variation 2417111 (VCV002417111.5), dbSNP rs2527433553, ClinGen allele CA344909537.